The following is an entry in ClinVar:

NM_001042492.3(NF1):c.23_24insTA (p.Glu8fs)

Genes: MIR4733HG (MIR4733 host gene; minus strand), NF1 (neurofibromin 1; plus strand), LOC111811965 (NF1 (neurofibromin 1) promoter region; plus strand). Cytogenetic location: 17q11.2.
Variant type: Insertion.
Coding change: c.23_24insTA on transcript NM_001042492.3 (MANE Select); coding-DNA positions 23 to 24, TA inserted.
Protein change: p.Glu8fs; shifts the reading frame from glutamic acid 8.
Molecular consequence: frameshift variant. On other transcripts: non-coding transcript variant (1).
Genome position: GRCh38 VCF-style: chr17-31095331-G-GAT. GRCh37 (hg19) VCF-style: chr17-29422349-G-GAT.
Other names: c.23_24insTA, p.Glu8Aspfs (NM_000267.4); c.23_24insTA, p.Glu8fs (NM_001128147.3); short protein forms E8fs.
Identifiers: ClinVar variation 1456287 (VCV001456287.6), dbSNP rs2143144912, ClinGen allele CA2573153208.

ClinVar aggregate classification (germline): Pathogenic (1 of 4 stars; one submission).

Conditions:
Neurofibromatosis, type 1 (NF1). Also called: Neurofibromatosis, type I; VON RECKLINGHAUSEN DISEASE; NEUROFIBROMATOSIS, TYPE I, SOMATIC; Peripheral type neurofibromatosis. Identifiers: Orphanet 636, MedGen C0027831, MONDO:0018975, OMIM 162200. Disease mechanism: loss of function.

Submission:

Labcorp Genetics (formerly Invitae), Labcorp
Classification: Pathogenic for Neurofibromatosis, type 1. Last evaluated: 2021-08-16. Review status: criteria provided, single submitter. Criteria: Invitae Variant Classification Sherloc (09022015). Collection method: clinical testing. Allele origin: germline.
Comment: This sequence change creates a premature translational stop signal (p.Glu8Aspfs*17) in the NF1 gene. It is expected to result in an absent or disrupted protein product. Loss-of-function variants in NF1 are known to be pathogenic (PMID: 10712197, 23913538). The frequency data for this variant in the population databases is considered unreliable, as metrics indicate insufficient coverage at this position in the ExAC database. This variant has not been reported in the literature in individuals affected with NF1-related conditions. For these reasons, this variant has been classified as Pathogenic.

Literature cited by the submitters: PubMed 10712197; PubMed 23913538.